The following is an entry in ClinVar:

NM_000384.3(APOB):c.13063A>G (p.Asn4355Asp)

Gene: APOB (apolipoprotein B; minus strand). Cytogenetic location: 2p24.1.
Variant type: single nucleotide variant.
Coding change: c.13063A>G on transcript NM_000384.3 (MANE Select); coding-DNA position 13063, A replaced by G.
Protein change: p.Asn4355Asp; replaces asparagine 4355 with aspartic acid.
Molecular consequence: missense variant.
Genome position (GRCh38, 1-based): chr2:21,002,359, T>C on the plus strand (A>G on the coding strand, the complement: APOB is on the minus strand). VCF-style: chr2-21002359-T-C. GRCh37 (hg19) VCF-style: chr2-21225231-T-C.
Other names: short protein forms N4355D.
Identifiers: ClinVar variation 1769515 (VCV001769515.2), dbSNP rs2465348869, ClinGen allele CA345969590.
Genomic context (GRCh38, chr2:21,002,359, plus strand): 5'-GTAACTCTTGAGAAGCTTCCTGAAGCTCGTTTTGAATAAATTCATTGAACTTATGAAGAT[T>C]AAGGCATAGGTTTTCTTTCAACAATTTAAAAACATATGGGATATAATCACTGAAGATTGT-3'
Protein context (NP_000375.3, residues 4345-4365): FKLLKENLCL[Asn4355Asp]LHKFNEFIQN

ClinVar aggregate classification (germline): Uncertain significance (1 of 4 stars; one submission).

Conditions:
Cardiovascular phenotype. Identifiers: MedGen CN230736.

Submission:

Ambry Genetics
Classification: Uncertain significance for Cardiovascular phenotype. Last evaluated: 2022-07-14. Review status: criteria provided, single submitter. Criteria: Ambry Variant Classification Scheme 2023. Collection method: clinical testing. Allele origin: germline.
Comment: The p.N4355D variant (also known as c.13063A>G), located in coding exon 29 of the APOB gene, results from an A to G substitution at nucleotide position 13063. The asparagine at codon 4355 is replaced by aspartic acid, an amino acid with highly similar properties. This amino acid position is conserved. In addition, this alteration is predicted to be tolerated by in silico analysis. Since supporting evidence is limited at this time, the clinical significance of this alteration remains unclear.